The following is an entry in ClinVar:

NM_002769.5(PRSS1):c.400G>T (p.Ala134Ser)

Genes: TRB (T cell receptor beta locus; plus strand), PRSS1 (serine protease 1; plus strand). Cytogenetic location: 7q34.
Variant type: single nucleotide variant.
Coding change: c.400G>T on transcript NM_002769.5 (MANE Select); coding-DNA position 400, G replaced by T.
Protein change: p.Ala134Ser; replaces alanine 134 with serine.
Molecular consequence: missense variant. On other transcripts: non-coding transcript variant (5).
Genome position (GRCh38, 1-based): chr7:142,751,973, G>T. VCF-style: chr7-142751973-G-T. GRCh37 (hg19) VCF-style: chr7-142459824-G-T.
Other names: short protein forms A134S.
Identifiers: ClinVar variation 1737011 (VCV001737011.2), dbSNP rs752456117, ClinGen allele CA369609067.

ClinVar aggregate classification (germline): Uncertain significance (1 of 4 stars; one submission).

Conditions:
Hereditary pancreatitis (PCTT). Also called: Hereditary chronic pancreatitis; PRSS1-Related Hereditary Pancreatitis. Identifiers: Orphanet 676, MedGen C0238339, MONDO:0008185, OMIM 167800.

Submission:

Ambry Genetics
Classification: Uncertain significance for Hereditary pancreatitis. Last evaluated: 2022-06-23. Review status: criteria provided, single submitter. Criteria: Ambry Variant Classification Scheme 2023. Collection method: clinical testing. Allele origin: germline.
Comment: The p.A134S variant (also known as c.400G>T), located in coding exon 3 of the PRSS1 gene, results from a G to T substitution at nucleotide position 400. The alanine at codon 134 is replaced by serine, an amino acid with similar properties. This amino acid position is conserved. In addition, this alteration is predicted to be tolerated by in silico analysis. Since supporting evidence is limited at this time, the clinical significance of this alteration remains unclear.